The following is an entry in ClinVar:

ClinVar aggregate classification (germline): Benign (0 of 4 stars; one submission).

Conditions:
KCNQ1-related disorder. Also called: KCNQ1-related condition; KCNQ1-related disorders. Identifiers: MedGen CN239322.

Allele frequency attached by ClinVar (database versions not stated): TOPMed 0.58950; gnomAD 0.59000; 1000 Genomes Project 30x 0.61571; 1000 Genomes Project 0.61961; gnomAD exomes 0.63170.
gnomAD v4.1: 245,102 of 398,462 alleles (62%); highest among the groups gnomAD compares: East Asian, 83%; 76,758 homozygotes.

Submission:

PreventionGenetics, part of Exact Sciences
Classification: Benign for KCNQ1-related condition. Last evaluated: 2019-05-11. Review status: no assertion criteria provided. Collection method: clinical testing. Allele origin: germline.
Comment: This variant is classified as benign based on ACMG/AMP sequence variant interpretation guidelines (Richards et al. 2015 PMID: 25741868, with internal and published modifications).

NM_000218.3(KCNQ1):c.1514+2636C>T

Genes: KCNQ1 (potassium voltage-gated channel subfamily Q member 1; plus strand), KCNQ1OT1 (KCNQ1 opposite strand/antisense transcript 1; minus strand). Cytogenetic location: 11p15.5.
Variant type: single nucleotide variant.
Coding change: c.1514+2636C>T on transcript NM_000218.3 (MANE Select); 2636 bases into the intron after coding-DNA position 1514, C replaced by T.
Molecular consequence: intron variant. On other transcripts: non-coding transcript variant (1).
Genome position (GRCh38, 1-based): chr11:2,664,717, C>T. VCF-style: chr11-2664717-C-T. GRCh37 (hg19) VCF-style: chr11-2685947-C-T.
Other names: c.1244+2636C>T (NM_001406837.1); c.1418+2636C>T (NM_001406836.1); c.974+2636C>T (NM_001406838.1); c.1133+2636C>T (NM_181798.2).
Identifiers: ClinVar variation 3058925 (VCV003058925.2), dbSNP rs12271234, ClinGen allele CA13370383.
Genomic context (GRCh38, chr11:2,664,717, plus strand): 5'-GCAGCGAAGCTCCTGTGGGCAGCCTGGCCCCATGGACCCTGAACTGGGAAGAGAGGCACA[C>T]GCCCTGGTGTGTGTGAGGGACAGGGATGTGTGCTGGGGTCTCACAGGGGGCAGAGTGGGT-3'